The following is an entry in ClinVar:

NM_000090.4(COL3A1):c.1662+4T>C

Gene: COL3A1 (collagen type III alpha 1 chain; plus strand). Cytogenetic location: 2q32.2.
Variant type: single nucleotide variant.
Coding change: c.1662+4T>C on transcript NM_000090.4 (MANE Select); 4 bases into the intron after coding-DNA position 1662, T replaced by C.
Molecular consequence: intron variant.
Genome position (GRCh38, 1-based): chr2:188,996,182, T>C. VCF-style: chr2-188996182-T-C. GRCh37 (hg19) VCF-style: chr2-189860908-T-C.
Identifiers: ClinVar variation 923780 (VCV000923780.7), dbSNP rs1319321003, ClinGen allele CA1139657562.
Genomic context (GRCh38, chr2:188,996,182, plus strand): 5'-CAGGGCATGCCCGGAAGTCCAGGAGGACCAGGAAGTGATGGGAAACCAGGGCCTCCCGTA[T>C]GTACATTTTTAAAATCTCATTTTAAAAGGCCAGTTAAAATGGAATGTATATGTTGGCCTA-3'

ClinVar aggregate classification (germline): Conflicting classifications of pathogenicity. Review status: criteria provided, conflicting classifications (1 of 4 stars). 2 submissions from 2 submitters: Uncertain significance (1); Likely benign (1). Last evaluated 2025-12-16.

Conditions:
Ehlers-Danlos syndrome, type 4 (EDSVASC). Also called: Ehlers-Danlos Syndrome Type IV; Ehlers-Danlos syndrome vascular type; Ehlers Danlos syndrome, ecchymotic type; Ehlers Danlos syndrome, arterial type; Ehlers Danlos syndrome, Sack-Barabas type. Identifiers: Orphanet 286, MedGen C0268338, MONDO:0017314, OMIM 130050.
Familial thoracic aortic aneurysm and aortic dissection (TAAD). Also called: Thoracic aortic aneurysms and dissections. Identifiers: Orphanet 91387, MedGen C4707243, MONDO:0019625.

gnomAD v4.1: 7 of 1,613,102 alleles (0.00043%); highest among the groups gnomAD compares: African/African-American, 0.0013%; no homozygotes.

Submissions (2):

Labcorp Genetics (formerly Invitae), Labcorp
Classification: Uncertain significance for Ehlers-Danlos syndrome, type 4. Last evaluated: 2025-12-16. Review status: criteria provided, single submitter. Criteria: Invitae Variant Classification Sherloc (09022015). Collection method: clinical testing. Allele origin: germline.
Comment: This sequence change falls in intron 23 of the COL3A1 gene. It does not directly change the encoded amino acid sequence of the COL3A1 protein. It affects a nucleotide within the consensus splice site. This variant is not present in population databases (gnomAD no frequency). This variant has not been reported in the literature in individuals affected with COL3A1-related conditions. ClinVar contains an entry for this variant (Variation ID: 923780). Variants that disrupt the consensus splice site are a relatively common cause of aberrant splicing (PMID: 17576681, 9536098). Algorithms developed to predict the effect of sequence changes on RNA splicing suggest that this variant is not likely to affect RNA splicing. In summary, the available evidence is currently insufficient to determine the role of this variant in disease. Therefore, it has been classified as a Variant of Uncertain Significance.

Color Diagnostics, LLC DBA Color Health
Classification: Likely benign for Familial thoracic aortic aneurysm and aortic dissection. Last evaluated: 2020-03-17. Review status: criteria provided, single submitter. Criteria: ACMG Guidelines, 2015. Collection method: clinical testing. Allele origin: germline.

Literature cited by the submitters: PubMed 17576681 (cited by Labcorp Genetics (formerly Invitae), Labcorp); PubMed 9536098 (cited by Labcorp Genetics (formerly Invitae), Labcorp).